The following is an entry in ClinVar:

NM_017534.6(MYH2):c.3517C>T (p.Arg1173Trp)

Genes: MYH2 (myosin heavy chain 2; minus strand), MYHAS (myosin heavy chain gene cluster antisense RNA; plus strand). Cytogenetic location: 17p13.1.
Variant type: single nucleotide variant.
Coding change: c.3517C>T on transcript NM_017534.6 (MANE Select); coding-DNA position 3517, C replaced by T.
Protein change: p.Arg1173Trp; replaces arginine 1173 with tryptophan.
Molecular consequence: missense variant.
Genome position (GRCh38, 1-based): chr17:10,528,917, G>A on the plus strand (C>T on the coding strand, the complement: MYH2 is on the minus strand). VCF-style: chr17-10528917-G-A. GRCh37 (hg19) VCF-style: chr17-10432234-G-A.
Other names: c.3517C>T, p.Arg1173Trp (NM_001100112.2); short protein forms R1173W.
Identifiers: ClinVar variation 3714567 (VCV003714567.2).

ClinVar aggregate classification (germline): Uncertain significance (1 of 4 stars; one submission).

Conditions:
Myopathy, proximal, and ophthalmoplegia (CMYO6). Also called: INCLUSION BODY MYOPATHY 3, AUTOSOMAL DOMINANT; MYOPATHY WITH CONGENITAL JOINT CONTRACTURES, OPHTHALMOPLEGIA, AND RIMMED VACUOLES; CONGENITAL MYOPATHY 6 WITH OPHTHALMOPLEGIA. Identifiers: Orphanet 363677, Orphanet 79091, MedGen C1854106, MONDO:0011577, OMIM 605637.

gnomAD v4.1: 14 of 1,614,024 alleles (0.00087%); highest among the groups gnomAD compares: African/African-American, 0.0027%; no homozygotes.

Submission:

Labcorp Genetics (formerly Invitae), Labcorp
Classification: Uncertain significance for Myopathy, proximal, and ophthalmoplegia. Last evaluated: 2024-04-15. Review status: criteria provided, single submitter. Criteria: Invitae Variant Classification Sherloc (09022015). Collection method: clinical testing. Allele origin: germline.
Comment: This sequence change replaces arginine, which is basic and polar, with tryptophan, which is neutral and slightly polar, at codon 1173 of the MYH2 protein (p.Arg1173Trp). This variant is present in population databases (rs767243766, gnomAD 0.004%). This variant has not been reported in the literature in individuals affected with MYH2-related conditions. Advanced modeling of protein sequence and biophysical properties (such as structural, functional, and spatial information, amino acid conservation, physicochemical variation, residue mobility, and thermodynamic stability) performed at Invitae indicates that this missense variant is expected to disrupt MYH2 protein function with a positive predictive value of 80%. In summary, the available evidence is currently insufficient to determine the role of this variant in disease. Therefore, it has been classified as a Variant of Uncertain Significance.